The following is an entry in ClinVar:

ClinVar aggregate classification (germline): Likely benign (1 of 4 stars; one submission).

gnomAD v4.1: 12 of 1,485,260 alleles (0.00081%); highest among the groups gnomAD compares: Admixed American, 0.0023%; no homozygotes.

Submission:

GeneDx
Classification: Likely benign. Last evaluated: 2017-08-17. Review status: criteria provided, single submitter. Criteria: GeneDx Variant Classification (06012015). Collection method: clinical testing. Allele origin: germline. Affected: yes.
Comment: This variant is considered likely benign or benign based on one or more of the following criteria: it is a conservative change, it occurs at a poorly conserved position in the protein, it is predicted to be benign by multiple in silico algorithms, and/or has population frequency not consistent with disease.

NM_018475.5(TMEM165):c.199C>A (p.Arg67=)

Genes: TMEM165 (transmembrane protein 165; plus strand), LOC129992613 (ATAC-STARR-seq lymphoblastoid silent region 15439; plus strand). Cytogenetic location: 4q12.
Variant type: single nucleotide variant.
Coding change: c.199C>A on transcript NM_018475.5 (MANE Select); coding-DNA position 199, C replaced by A.
Protein change: p.Arg67=; no amino-acid change (arginine 67 retained).
Molecular consequence: synonymous variant. On other transcripts: non-coding transcript variant (1).
Genome position (GRCh38, 1-based): chr4:55,396,388, C>A. VCF-style: chr4-55396388-C-A. GRCh37 (hg19) VCF-style: chr4-56262555-C-A.
Identifiers: ClinVar variation 511191 (VCV000511191.1), dbSNP rs768223101, ClinGen allele CA2925452.